The following is an entry in ClinVar:

ClinVar aggregate classification (germline): Uncertain significance (1 of 4 stars; one submission).

Conditions:
Hereditary cancer-predisposing syndrome. Also called: Neoplastic Syndromes, Hereditary; Hereditary Cancer Syndrome; Hereditary neoplastic syndrome; Tumor predisposition. Identifiers: Orphanet 140162, MedGen C0027672, MeSH D009386, MONDO:0015356.

Allele frequency attached by ClinVar (database versions not stated): gnomAD exomes below 0.00001.

Submission:

Labcorp Genetics (formerly Invitae), Labcorp
Classification: Uncertain significance for Hereditary cancer-predisposing syndrome. Last evaluated: 2023-03-07. Review status: criteria provided, single submitter. Criteria: Invitae Variant Classification Sherloc (09022015). Collection method: clinical testing. Allele origin: germline.
Comment: This variant has not been reported in the literature in individuals affected with RAD50-related conditions. In summary, the available evidence is currently insufficient to determine the role of this variant in disease. Therefore, it has been classified as a Variant of Uncertain Significance. Advanced modeling of protein sequence and biophysical properties (such as structural, functional, and spatial information, amino acid conservation, physicochemical variation, residue mobility, and thermodynamic stability) performed at Invitae indicates that this missense variant is expected to disrupt RAD50 protein function. This variant is not present in population databases (gnomAD no frequency). This sequence change replaces methionine, which is neutral and non-polar, with valine, which is neutral and non-polar, at codon 282 of the RAD50 protein (p.Met282Val).

NM_005732.4(RAD50):c.844A>G (p.Met282Val)

Gene: RAD50 (RAD50 double strand break repair protein; plus strand). Cytogenetic location: 5q31.1.
Variant type: single nucleotide variant.
Coding change: c.844A>G on transcript NM_005732.4 (MANE Select); coding-DNA position 844, A replaced by G.
Protein change: p.Met282Val; replaces methionine 282 with valine.
Molecular consequence: missense variant.
Genome position (GRCh38, 1-based): chr5:132,587,649, A>G. VCF-style: chr5-132587649-A-G. GRCh37 (hg19) VCF-style: chr5-131923341-A-G.
Other names: short protein forms M282V.
Identifiers: ClinVar variation 2843390 (VCV002843390.3), dbSNP rs2479631826, ClinGen allele CA360940389.